The following is an entry in ClinVar:

NM_000179.3(MSH6):c.3802-7T>C

Gene: MSH6 (mutS homolog 6; plus strand). Cytogenetic location: 2p16.3.
Variant type: single nucleotide variant.
Coding change: c.3802-7T>C on transcript NM_000179.3 (MANE Select); 7 bases into the intron before coding-DNA position 3802, T replaced by C.
Molecular consequence: intron variant.
Genome position (GRCh38, 1-based): chr2:47,806,445, T>C. VCF-style: chr2-47806445-T-C. GRCh37 (hg19) VCF-style: chr2-48033584-T-C.
Other names: c.3802-7T>C (NM_001406809.1, NM_001406796.1, NM_001406808.1); c.2896-7T>C (NM_001406811.1, NM_001406814.1, NM_001281493.2 and 6 more transcripts); c.3505-7T>C (NM_001406805.1, NM_001406797.1, NM_001406801.1 and 10 more transcripts); c.3898-7T>C (NM_001406795.1); c.3897+87T>C (NM_001406802.1); c.3808-7T>C (NM_001406813.1); c.3277-7T>C (NM_001406807.1, NM_001406799.1, NM_001406806.1); c.3802-20T>C (NM_001406800.1); and 9 more.
Identifiers: ClinVar variation 3724945 (VCV003724945.3).
Genomic context (GRCh38, chr2:47,806,445, plus strand): 5'-AATTCGGTTTTTTGAGAGGGCACTTCTCTTGCTAGCACATGTATCGCTAATATTTTTCTT[T>C]CTTAAGGCATGCATGGTAGAAAATGAATGTGAAGACCCCAGCCAGGAGACTATTACGTTC-3'

ClinVar aggregate classification (germline): Likely benign. Review status: criteria provided, multiple submitters, no conflicts (2 of 4 stars). 2 submissions from 2 submitters: Likely benign (2). Last evaluated 2025-01-08.

Conditions:
Lynch syndrome 5 (LYNCH5). Also called: Colorectal cancer, hereditary nonpolyposis, type 5; Hereditary non-polyposis colorectal cancer, type 5. Identifiers: Orphanet 144, MedGen C1833477, MONDO:0013710, OMIM 614350. Disease mechanism: loss of function.
Hereditary nonpolyposis colorectal neoplasms. Identifiers: MedGen C0009405, MeSH D003123.

Submissions (2):

Myriad Genetics, Inc.
Classification: Likely benign for Lynch syndrome 5. Last evaluated: 2025-01-08. Review status: criteria provided, single submitter. Criteria: Myriad Autosomal Dominant, Autosomal Recessive and X-Linked Classification Criteria (2023). Collection method: clinical testing. Allele origin: unknown.
Comment: This variant is considered likely benign. This variant is intronic and is not expected to impact mRNA splicing.

Labcorp Genetics (formerly Invitae), Labcorp
Classification: Likely benign for Hereditary nonpolyposis colorectal neoplasms. Last evaluated: 2024-11-11. Review status: criteria provided, single submitter. Criteria: Invitae Variant Classification Sherloc (09022015). Collection method: clinical testing. Allele origin: germline.